The following is an entry in ClinVar:

ClinVar aggregate classification (germline): Uncertain significance. Review status: criteria provided, multiple submitters, no conflicts (2 of 4 stars). 2 submissions from 2 submitters: Uncertain significance (2). Last evaluated 2025-02-24.

Conditions:
DYRK1A-related intellectual disability syndrome (MRD7). Also called: DYRK1A Syndrome; Intellectual developmental disorder, autosomal dominant 7. Identifiers: Orphanet 464306, MedGen C5568143, MONDO:0013578, OMIM 614104.

Allele frequency attached by ClinVar (database versions not stated): gnomAD 0.00001; TOPMed 0.00001.
gnomAD v4.1: 1 of 1,614,144 alleles (0.000062%); highest among the groups gnomAD compares: African/African-American, 0.0013%; no homozygotes.

Submissions (2):

Labcorp Genetics (formerly Invitae), Labcorp
Classification: Uncertain significance for DYRK1A-related intellectual disability syndrome. Last evaluated: 2025-02-24. Review status: criteria provided, single submitter. Criteria: Invitae Variant Classification Sherloc (09022015). Collection method: clinical testing. Allele origin: germline.
Comment: This sequence change replaces tyrosine, which is neutral and polar, with histidine, which is basic and polar, at codon 680 of the DYRK1A protein (p.Tyr680His). This variant is not present in population databases (gnomAD no frequency). This variant has not been reported in the literature in individuals affected with DYRK1A-related conditions. ClinVar contains an entry for this variant (Variation ID: 1254522). Invitae Evidence Modeling of protein sequence and biophysical properties (such as structural, functional, and spatial information, amino acid conservation, physicochemical variation, residue mobility, and thermodynamic stability) indicates that this missense variant is not expected to disrupt DYRK1A protein function with a negative predictive value of 95%. In summary, the available evidence is currently insufficient to determine the role of this variant in disease. Therefore, it has been classified as a Variant of Uncertain Significance.

GeneDx
Classification: Uncertain significance. Last evaluated: 2021-06-11. Review status: criteria provided, single submitter. Criteria: GeneDx Variant Classification Process June 2021. Collection method: clinical testing. Allele origin: germline. Affected: yes.
Comment: Has not been previously published as pathogenic or benign to our knowledge; Not observed at significant frequency in large population cohorts (Lek et al., 2016); In silico analysis supports that this missense variant does not alter protein structure/function; This variant is associated with the following publications: (PMID: 27535533)

NM_001347721.2(DYRK1A):c.2011T>C (p.Tyr671His)

Gene: DYRK1A (dual specificity tyrosine phosphorylation regulated kinase 1A; plus strand). Cytogenetic location: 21q22.13.
Variant type: single nucleotide variant.
Coding change: c.2011T>C on transcript NM_001347721.2 (MANE Select); coding-DNA position 2011, T replaced by C.
Protein change: p.Tyr671His; replaces tyrosine 671 with histidine.
Molecular consequence: missense variant. On other transcripts: 3 prime UTR variant (2).
Genome position (GRCh38, 1-based): chr21:37,512,277, T>C. VCF-style: chr21-37512277-T-C. GRCh37 (hg19) VCF-style: chr21-38884580-T-C.
Other names: c.2011T>C, p.Tyr671His (NM_001347722.2, NM_130436.2); c.1924T>C, p.Tyr642His (NM_001347723.2); c.2038T>C, p.Tyr680His (NM_001396.5); c.*414T>C (NM_101395.2); c.*323T>C (NM_130438.2); short protein forms Y642H, Y671H, Y680H.
Identifiers: ClinVar variation 1254522 (VCV001254522.5), dbSNP rs1019836603, ClinGen allele CA320469898.